The following is an entry in ClinVar:

ClinVar aggregate classification (germline): Pathogenic. Review status: criteria provided, multiple submitters, no conflicts (2 of 4 stars). 4 submissions from 4 submitters: Pathogenic (3). 1 of the submissions does not count toward it. Last evaluated 2024-11-21.

Conditions:
CNGB3-related disorder. Also called: CNGB3-related disorders; CNGB3-related condition. Identifiers: MedGen CN239340.
Achromatopsia 3 (ACHM3). Also called: PINGELAPESE BLINDNESS; ACHROMATOPSIA WITH MYOPIA; TOTAL COLORBLINDNESS WITH MYOPIA; ROD MONOCHROMACY 1; ROD MONOCHROMATISM 1. Identifiers: Orphanet 49382, MedGen C1849792, MONDO:0009875, OMIM 262300.

Allele frequency attached by ClinVar (database versions not stated): gnomAD exomes below 0.00001.

Submissions (4):

Women's Health and Genetics/Laboratory Corporation of America, LabCorp
Classification: Pathogenic for Achromatopsia 3. Last evaluated: 2024-11-21. Review status: criteria provided, single submitter. Criteria: LabCorp Variant Classification Summary - May 2015. Collection method: clinical testing. Allele origin: germline.
Comment: Variant summary: CNGB3 c.682dupG (p.Ala228GlyfsX3) results in a premature termination codon, predicted to cause a truncation of the encoded protein or absence of the protein due to nonsense mediated decay, which are commonly known mechanisms for disease. The variant was absent in 251368 control chromosomes. c.682dupG has been reported in the literature in individuals affected with Achromatopsia (example: Mayer_2017). These data indicate that the variant may be associated with disease. The following publication has been ascertained in the context of this evaluation (PMID: 28795510). ClinVar contains an entry for this variant (Variation ID: 427651). Based on the evidence outlined above, the variant was classified as pathogenic.

Blueprint Genetics
Classification: Pathogenic for CNGB3-related disorders. Last evaluated: 2024-06-21. Review status: criteria provided, single submitter. Criteria: ACMG Guidelines, 2015. Collection method: clinical testing. Allele origin: germline. Affected: yes. Observed: 2 variant alleles.

Labcorp Genetics (formerly Invitae), Labcorp
Classification: Pathogenic. Last evaluated: 2021-08-23. Review status: criteria provided, single submitter. Criteria: Invitae Variant Classification Sherloc (09022015). Collection method: clinical testing. Allele origin: germline.
Comment: This sequence change creates a premature translational stop signal (p.Ala228Glyfs*3) in the CNGB3 gene. It is expected to result in an absent or disrupted protein product. Loss-of-function variants in CNGB3 are known to be pathogenic (PMID: 28795510). This variant is not present in population databases (ExAC no frequency). This premature translational stop signal has been observed in individual(s) with achromatopsia (PMID: 15657609, 28795510). ClinVar contains an entry for this variant (Variation ID: 427651). For these reasons, this variant has been classified as Pathogenic.

Molecular Genetics Laboratory, Institute for Ophthalmic Research
Classification: Pathogenic for ACHM3. Last evaluated: 2017-03-27. Review status: no assertion criteria provided. Collection method: research. Allele origin: germline. Affected: yes. Not counted in ClinVar's aggregate classification.

Literature cited by the submitters: PubMed 28795510 (cited by 3 submitters); PubMed 15657609 (cited by Labcorp Genetics (formerly Invitae), Labcorp).

NM_019098.5(CNGB3):c.682dup (p.Ala228fs)

Gene: CNGB3 (cyclic nucleotide gated channel subunit beta 3; minus strand). Cytogenetic location: 8q21.3.
Variant type: Duplication.
Coding change: c.682dup on transcript NM_019098.5 (MANE Select); coding-DNA position 682, one base duplicated (G; older notation c.682dupG).
Protein change: p.Ala228fs; shifts the reading frame from alanine 228.
Molecular consequence: frameshift variant.
Genome position (GRCh38, 1-based): chr8:86,667,095, C duplicated on the plus strand (G on the coding strand, the reverse complement: CNGB3 is on the minus strand). VCF-style (leftmost placement, unchanged base first): chr8-86667094-G-GC. GRCh37 (hg19) VCF-style: chr8-87679322-G-GC.
Other names: c.682dupG (NM_019098.4, NM_019098.5); short protein forms A228fs.
Identifiers: ClinVar variation 427651 (VCV000427651.8), dbSNP rs1554614038, ClinGen allele CA645372859.